The following is an entry in ClinVar:

NM_001429.4(EP300):c.4299G>A (p.Gly1433=)

Gene: EP300 (E1A binding protein p300; plus strand). Cytogenetic location: 22q13.2.
Variant type: single nucleotide variant.
Coding change: c.4299G>A on transcript NM_001429.4 (MANE Select); coding-DNA position 4299, G replaced by A.
Protein change: p.Gly1433=; no amino-acid change (glycine 1433 retained).
Molecular consequence: synonymous variant.
Genome position (GRCh38, 1-based): chr22:41,170,418, G>A. VCF-style: chr22-41170418-G-A. GRCh37 (hg19) VCF-style: chr22-41566422-G-A.
Other names: c.4221G>A, p.Gly1407= (NM_001362843.2).
Identifiers: ClinVar variation 3351601 (VCV003351601.1).

ClinVar aggregate classification (germline): Likely benign (0 of 4 stars; one submission).

Conditions:
EP300-related disorder. Also called: EP300-related disorders; EP300-related condition.

gnomAD v4.1: 8 of 1,613,494 alleles (0.0005%); highest among the groups gnomAD compares: African/African-American, 0.0067%; no homozygotes.

Submission:

PreventionGenetics, part of Exact Sciences
Classification: Likely benign for EP300-related condition. Last evaluated: 2022-07-22. Review status: no assertion criteria provided. Collection method: clinical testing. Allele origin: germline.
Comment: This variant is classified as likely benign based on ACMG/AMP sequence variant interpretation guidelines (Richards et al. 2015 PMID: 25741868, with internal and published modifications).